The following is an entry in ClinVar:

NM_000517.6(HBA2):c.275T>C (p.Leu92Pro)

Genes: HBA2 (hemoglobin subunit alpha 2; plus strand), LOC106804612 (hemoglobin subunit alpha 2 recombination region; plus strand). Cytogenetic location: 16p13.3.
Variant type: single nucleotide variant.
Coding change: c.275T>C on transcript NM_000517.6 (MANE Select); coding-DNA position 275, T replaced by C.
Protein change: p.Leu92Pro; replaces leucine 92 with proline.
Molecular consequence: missense variant.
Genome position (GRCh38, 1-based): chr16:173,304, T>C. VCF-style: chr16-173304-T-C. GRCh37 (hg19) VCF-style: chr16-223303-T-C.
Other names: short protein forms L92P.
Identifiers: ClinVar variation 3766787 (VCV003766787.1).

ClinVar aggregate classification (germline): Pathogenic (1 of 4 stars; one submission).

Submission:

ARUP Laboratories, Molecular Genetics and Genomics, ARUP Laboratories
Classification: Pathogenic. Last evaluated: 2024-08-16. Review status: criteria provided, single submitter. Criteria: ARUP Molecular Germline Variant Investigation Process 2024. Collection method: clinical testing. Allele origin: germline.
Comment: The Hb Port Phillip variant (HBA2: c.275T>C; p.Leu92Pro, also known as Leu91Pro when numbered from the mature protein, rs281864874, HbVar ID: 145) has been reported in heterozygous individuals with moderately reduced oxygen saturation and mild anemia (Brennan 1977, Du 2021), and has been reported as compound heterozygotes in individuals with severe anemia (Chen 2024, Du 2021). This variant is absent from the Genome Aggregation Database (v2.1.1), indicating it is not a common polymorphism. Computational analyses predict that this variant is deleterious (REVEL: 0.865). Additionally, other variants at this codon (c.275T>A, p.Leu92His; c.274C>A, p.Leu92Ile; c.274C>T, p.Leu92Phe) have been reported in individuals with moderately reduced oxygen affinity with unremarkable RBC indices (Barberio 2013, Kelany 2016, Pasquarella 2022). Based on available information, this variant is considered to be pathogenic. References: Link to HbVar database: Barberio G et al. Hb Treviso [a91(FG3)Leu?Phe (a2)]: a new slightly unstable hemoglobin variant with moderately decreased oxygen affinity. Hemoglobin. 2013 PMID: 23350769. Brennan SO et al. Haemoglobin Port Phillip alpha91 (FG3) Leu replaced by Pro, a new unstable haemoglobin. FEBS letters. 1977 Sep 1. PMID: 902765. Chen YP et al. Identification of Novel Hb Guiyang [HBA2: c.151C > A a2 50 (CE8) His- Asn] and Phenotype- Genotype Correlation of Abnormal Hemoglobins in Guizhou, Southwest China. J Blood Med. 2024 PMID: 38895162. Du L et al. Compounded with hemoglobin Port Phillip and -a(4.2) or --(SEA) deletions were identified in Chinese population. Mol Genet Genomic Med. 2021 Sep. PMID: 34398528. Kelany M et al. Hb Kalavasos [HBA2: c.275T?>?A; p.Leu92His]: a Novel a Chain Hemoglobin Variant. Hemoglobin. 2016 Sep. PMID: 27624082. Pasquarella A et al. Hemoglobin Alpha Chain Variant Zara Associated With Familial Asymptomatic Hypoxemia. J Hematol. 2022 Oct. PMID: 36406831.